The following is an entry in ClinVar:

ClinVar aggregate classification (germline): Uncertain significance (1 of 4 stars; one submission).

gnomAD v4.1: 1 of 1,614,090 alleles (0.000062%); highest among the groups gnomAD compares: Non-Finnish European, 0.000085%; no homozygotes.

Submission:

Labcorp Genetics (formerly Invitae), Labcorp
Classification: Uncertain significance. Last evaluated: 2025-03-10. Review status: criteria provided, single submitter. Criteria: Invitae Variant Classification Sherloc (09022015). Collection method: clinical testing. Allele origin: germline.
Comment: This sequence change replaces glutamic acid, which is acidic and polar, with lysine, which is basic and polar, at codon 195 of the NFKB1 protein (p.Glu195Lys). This variant is not present in population databases (gnomAD no frequency). This variant has not been reported in the literature in individuals affected with NFKB1-related conditions. ClinVar contains an entry for this variant (Variation ID: 1374664). Invitae Evidence Modeling of protein sequence and biophysical properties (such as structural, functional, and spatial information, amino acid conservation, physicochemical variation, residue mobility, and thermodynamic stability) indicates that this missense variant is not expected to disrupt NFKB1 protein function with a negative predictive value of 80%. In summary, the available evidence is currently insufficient to determine the role of this variant in disease. Therefore, it has been classified as a Variant of Uncertain Significance.

NM_003998.4(NFKB1):c.583G>A (p.Glu195Lys)

Gene: NFKB1 (nuclear factor kappa B subunit 1; plus strand). Cytogenetic location: 4q24.
Variant type: single nucleotide variant.
Coding change: c.583G>A on transcript NM_003998.4 (MANE Select); coding-DNA position 583, G replaced by A.
Protein change: p.Glu195Lys; replaces glutamic acid 195 with lysine.
Molecular consequence: missense variant.
Genome position (GRCh38, 1-based): chr4:102,578,892, G>A. VCF-style: chr4-102578892-G-A. GRCh37 (hg19) VCF-style: chr4-103500049-G-A.
Other names: c.580G>A, p.Glu194Lys (NM_001165412.2, NM_001319226.2, NM_001382627.1); c.583G>A, p.Glu195Lys (NM_001382625.1, NM_001382626.1); c.541G>A, p.Glu181Lys (NM_001382628.1); short protein forms E195K, E181K, E194K.
Identifiers: ClinVar variation 1374664 (VCV001374664.6), dbSNP rs2149184636, ClinGen allele CA357959490.